The following is an entry in ClinVar:

NM_020928.2(ZSWIM6):c.3122G>A (p.Gly1041Glu)

Gene: ZSWIM6 (zinc finger SWIM-type containing 6; plus strand). Cytogenetic location: 5q12.1.
Variant type: single nucleotide variant.
Coding change: c.3122G>A on transcript NM_020928.2 (MANE Select); coding-DNA position 3122, G replaced by A.
Protein change: p.Gly1041Glu; replaces glycine 1041 with glutamic acid.
Molecular consequence: missense variant.
Genome position (GRCh38, 1-based): chr5:61,543,791, G>A. VCF-style: chr5-61543791-G-A. GRCh37 (hg19) VCF-style: chr5-60839618-G-A.
Other names: short protein forms G1041E.
Identifiers: ClinVar variation 2784236 (VCV002784236.3), dbSNP rs1300119358, ClinGen allele CA359946902.

ClinVar aggregate classification (germline): Uncertain significance (1 of 4 stars; one submission).

Allele frequency attached by ClinVar (database versions not stated): TOPMed 0.00001.

Submission:

Labcorp Genetics (formerly Invitae), Labcorp
Classification: Uncertain significance. Last evaluated: 2023-04-01. Review status: criteria provided, single submitter. Criteria: Invitae Variant Classification Sherloc (09022015). Collection method: clinical testing. Allele origin: germline.
Comment: In summary, the available evidence is currently insufficient to determine the role of this variant in disease. Therefore, it has been classified as a Variant of Uncertain Significance. Advanced modeling of protein sequence and biophysical properties (such as structural, functional, and spatial information, amino acid conservation, physicochemical variation, residue mobility, and thermodynamic stability) performed at Invitae indicates that this missense variant is not expected to disrupt ZSWIM6 protein function. This variant has not been reported in the literature in individuals affected with ZSWIM6-related conditions. This variant is not present in population databases (gnomAD no frequency). This sequence change replaces glycine, which is neutral and non-polar, with glutamic acid, which is acidic and polar, at codon 1041 of the ZSWIM6 protein (p.Gly1041Glu).